The following is an entry in ClinVar:

NM_000535.7(PMS2):c.2099A>G (p.Gln700Arg)

Gene: PMS2 (PMS1 homolog 2, mismatch repair system component; minus strand). Cytogenetic location: 7p22.1.
Variant type: single nucleotide variant.
Coding change: c.2099A>G on transcript NM_000535.7 (MANE Select); coding-DNA position 2099, A replaced by G.
Protein change: p.Gln700Arg; replaces glutamine 700 with arginine.
Molecular consequence: missense variant. On other transcripts: non-coding transcript variant (1).
Genome position (GRCh38, 1-based): chr7:5,982,899, T>C on the plus strand (A>G on the coding strand, the complement: PMS2 is on the minus strand). VCF-style: chr7-5982899-T-C. GRCh37 (hg19) VCF-style: chr7-6022530-T-C.
Other names: c.1694A>G, p.Gln565Arg (NM_001018040.1, NM_001322003.2, NM_001322004.2 and 15 more transcripts); c.1943A>G, p.Gln648Arg (NM_001322006.2, NM_001406870.1); c.1781A>G, p.Gln594Arg (NM_001322007.2, NM_001322008.2, NM_001406876.1 and 1 more transcripts); c.1538A>G, p.Gln513Arg (NM_001322010.2, NM_001406906.1, NM_001406907.1); c.1166A>G, p.Gln389Arg (NM_001322011.2, NM_001322012.2); c.1526A>G, p.Gln509Arg (NM_001322013.2, NM_001406909.1); c.2099A>G, p.Gln700Arg (NM_001322014.2, NM_001406871.1); c.1790A>G, p.Gln597Arg (NM_001322015.2, NM_001406875.1, NM_001406877.1 and 5 more transcripts); and 13 more; short protein forms Q389R, Q545R, Q594R, Q664R, Q443R, Q513R, Q529R, Q542R.
Identifiers: ClinVar variation 1785836 (VCV001785836.2), dbSNP rs2535539664, ClinGen allele CA366738000.
Genomic context (GRCh38, chr7:5,982,899, plus strand): 5'-CCCTGGAGCACGGTGTGCTGCTGCAGCATCTCGAAGTTATACTTCTCGTCCGTGGCATGC[T>C]GGTCCACTATGAAGATATCCTCATTCAGTTTGGTTATTATAAATCCCAGGTTAAACTGAC-3'
Protein context (NP_000526.2, residues 690-710): KLNEDIFIVD[Gln700Arg]HATDEKYNFE

ClinVar aggregate classification (germline): Uncertain significance (1 of 4 stars; one submission).

Conditions:
Hereditary cancer-predisposing syndrome. Also called: Neoplastic Syndromes, Hereditary; Tumor predisposition; Hereditary Cancer Syndrome; Hereditary neoplastic syndrome. Identifiers: Orphanet 140162, MedGen C0027672, MeSH D009386, MONDO:0015356.

Submission:

Ambry Genetics
Classification: Uncertain significance for Hereditary cancer-predisposing syndrome. Last evaluated: 2017-10-20. Review status: criteria provided, single submitter. Criteria: Ambry Variant Classification Scheme 2023. Collection method: clinical testing. Allele origin: germline.
Comment: The p.Q700R variant (also known as c.2099A>G), located in coding exon 12 of the PMS2 gene, results from an A to G substitution at nucleotide position 2099. The glutamine at codon 700 is replaced by arginine, an amino acid with highly similar properties. This amino acid position is highly conserved in available vertebrate species. In addition, this alteration is predicted to be deleterious by in silico analysis. Since supporting evidence is limited at this time, the clinical significance of this alteration remains unclear.